The following is an entry in ClinVar:

ClinVar aggregate classification (germline): Uncertain significance. Review status: criteria provided, multiple submitters, no conflicts (2 of 4 stars). 2 submissions from 2 submitters: Uncertain significance (2). Last evaluated 2025-09-02.

Conditions:
Inborn genetic diseases. Identifiers: MedGen C0950123, MeSH D030342.

Allele frequency attached by ClinVar (database versions not stated): gnomAD 0.00003 and 0.00004; gnomAD exomes 0.00003; TOPMed 0.00006.

Submissions (2):

Labcorp Genetics (formerly Invitae), Labcorp
Classification: Uncertain significance. Last evaluated: 2025-09-02. Review status: criteria provided, single submitter. Criteria: Invitae Variant Classification Sherloc (09022015). Collection method: clinical testing. Allele origin: germline.
Comment: This sequence change replaces proline, which is neutral and non-polar, with leucine, which is neutral and non-polar, at codon 157 of the HMX1 protein (p.Pro157Leu). The frequency data for this variant in the population databases is considered unreliable, as metrics indicate poor data quality at this position in the gnomAD database. This variant has not been reported in the literature in individuals affected with HMX1-related conditions. ClinVar contains an entry for this variant (Variation ID: 933770). Invitae Evidence Modeling of protein sequence and biophysical properties (such as structural, functional, and spatial information, amino acid conservation, physicochemical variation, residue mobility, and thermodynamic stability) indicates that this missense variant is not expected to disrupt HMX1 protein function with a negative predictive value of 80%. In summary, the available evidence is currently insufficient to determine the role of this variant in disease. Therefore, it has been classified as a Variant of Uncertain Significance.

Ambry Genetics
Classification: Uncertain significance for Inborn genetic diseases. Last evaluated: 2025-05-21. Review status: criteria provided, single submitter. Criteria: Ambry Variant Classification Scheme 2023. Collection method: clinical testing. Allele origin: germline.

NM_018942.3(HMX1):c.470C>T (p.Pro157Leu)

Gene: HMX1 (H6 family homeobox 1; minus strand). Cytogenetic location: 4p16.1.
Variant type: single nucleotide variant.
Coding change: c.470C>T on transcript NM_018942.3 (MANE Select); coding-DNA position 470, C replaced by T.
Protein change: p.Pro157Leu; replaces proline 157 with leucine.
Molecular consequence: missense variant. On other transcripts: intron variant (1).
Genome position (GRCh38, 1-based): chr4:8,868,270, G>A on the plus strand (C>T on the coding strand, the complement: HMX1 is on the minus strand). VCF-style: chr4-8868270-G-A. GRCh37 (hg19) VCF-style: chr4-8869996-G-A.
Other names: c.394+2951C>T (NM_001306142.2); short protein forms P157L.
Identifiers: ClinVar variation 933770 (VCV000933770.9), dbSNP rs894119567, ClinGen allele CA92349808.
Genomic context (GRCh38, chr4:8,868,270, plus strand): 5'-TCCGTGCCGGCCGCCGGGCCACGCGCCGCCAGCTCCGCTGCCTCCCGCTGCACCGCTCCC[G>A]GCCCGGGGCCTCGCGGCCAGGCGCCCTCCGCACGGCCCATCTCCTCGCCCGTCTCCGGTG-3'
Protein context (NP_061815.2, residues 147-167): AEGAWPRGPG[Pro157Leu]GAVQREAAEL